The following is an entry in ClinVar:

ClinVar aggregate classification (germline): Uncertain significance (1 of 4 stars; one submission).

Submission:

GeneDx
Classification: Uncertain significance. Last evaluated: 2026-02-11. Review status: criteria provided, single submitter. Criteria: GeneDx Variant Classification Process June 2021. Collection method: clinical testing. Allele origin: germline.
Comment: Not observed at significant frequency in large population cohorts (gnomAD); In silico analysis suggests that this missense variant does not alter protein structure/function; Has not been previously published as pathogenic or benign to our knowledge

NM_004539.4(NARS1):c.197T>C (p.Ile66Thr)

Gene: NARS1 (asparaginyl-tRNA synthetase 1; minus strand). Cytogenetic location: 18q21.31.
Variant type: single nucleotide variant.
Coding change: c.197T>C on transcript NM_004539.4 (MANE Select); coding-DNA position 197, T replaced by C.
Protein change: p.Ile66Thr; replaces isoleucine 66 with threonine.
Molecular consequence: missense variant.
Genome position (GRCh38, 1-based): chr18:57,615,872, A>G on the plus strand (T>C on the coding strand, the complement: NARS1 is on the minus strand). VCF-style: chr18-57615872-A-G. GRCh37 (hg19) VCF-style: chr18-55283104-A-G.
Other names: short protein forms I66T.
Identifiers: ClinVar variation 4888206 (VCV004888206.1).